The following is an entry in ClinVar:

ClinVar aggregate classification (germline): Uncertain significance. Review status: criteria provided, multiple submitters, no conflicts (2 of 4 stars). 2 submissions from 2 submitters: Uncertain significance (2). Last evaluated 2026-08-05.

Conditions:
SC5D-related disorder. Also called: SC5D-related condition.

Allele frequency attached by ClinVar (database versions not stated): gnomAD 0.00001; TOPMed 0.00001; ExAC 0.00002; gnomAD exomes 0.00002; ESP Exome Variant Server 0.00008.
gnomAD v4.1: 29 of 1,614,008 alleles (0.0018%); highest among the groups gnomAD compares: Non-Finnish European, 0.0023%; no homozygotes.

Submissions (2):

PreventionGenetics, part of Exact Sciences
Classification: Uncertain significance for SC5D-related condition. Last evaluated: 2026-08-05. Review status: criteria provided, single submitter. Criteria: ACMG Guidelines, 2015. Collection method: clinical testing. Allele origin: germline.
Comment: The SC5D c.452A>G variant is predicted to result in the amino acid substitution p.His151Arg. To our knowledge, this variant has not been reported in the literature. This variant is reported in 0.0033% of alleles in individuals of South Asian descent in gnomAD. At this time, the clinical significance of this variant is uncertain due to the absence of conclusive functional and genetic evidence.

Labcorp Genetics (formerly Invitae), Labcorp
Classification: Uncertain significance. Last evaluated: 2022-07-18. Review status: criteria provided, single submitter. Criteria: Invitae Variant Classification Sherloc (09022015). Collection method: clinical testing. Allele origin: germline.
Comment: This variant is present in population databases (rs373383957, gnomAD 0.003%). This sequence change replaces histidine, which is basic and polar, with arginine, which is basic and polar, at codon 151 of the SC5D protein (p.His151Arg). This variant has not been reported in the literature in individuals affected with SC5D-related conditions. In summary, the available evidence is currently insufficient to determine the role of this variant in disease. Therefore, it has been classified as a Variant of Uncertain Significance. Algorithms developed to predict the effect of missense changes on protein structure and function (SIFT, PolyPhen-2, Align-GVGD) all suggest that this variant is likely to be disruptive.

NM_006918.5(SC5D):c.452A>G (p.His151Arg)

Gene: SC5D (sterol-C5-desaturase; plus strand). Cytogenetic location: 11q24.1.
Variant type: single nucleotide variant.
Coding change: c.452A>G on transcript NM_006918.5 (MANE Select); coding-DNA position 452, A replaced by G.
Protein change: p.His151Arg; replaces histidine 151 with arginine.
Molecular consequence: missense variant.
Genome position (GRCh38, 1-based): chr11:121,307,064, A>G. VCF-style: chr11-121307064-A-G. GRCh37 (hg19) VCF-style: chr11-121177773-A-G.
Other names: c.452A>G (NM_006918.4); c.452A>G, p.His151Arg (NM_001024956.3); short protein forms H151R.
Identifiers: ClinVar variation 1896514 (VCV001896514.6), dbSNP rs373383957, ClinGen allele CA6328182.
Genomic context (GRCh38, chr11:121,307,064, plus strand): 5'-AATGTTGCACGGGGTAAAGTTTGCAGTGCTAATTGTGTCCTTTTCTCCTGCAGCGCCTAC[A>G]TAAACCTCACCATATTTGGAAGATTCCTACTCCATTTGCAAGTCATGCTTTTCACCCTAT-3'
Protein context (NP_008849.2, residues 141-161): LHHRLVYKRL[His151Arg]KPHHIWKIPT